The following is an entry in ClinVar:

ClinVar aggregate classification (germline): Uncertain significance. Review status: criteria provided, multiple submitters, no conflicts (2 of 4 stars). 4 submissions from 4 submitters: Uncertain significance (4). Last evaluated 2025-06-16.

Allele frequency attached by ClinVar (database versions not stated): gnomAD exomes 0.00003; 1000 Genomes Project 30x 0.00031; ExAC 0.00033; 1000 Genomes Project 0.00040; gnomAD 0.00040; TOPMed 0.00048; ESP Exome Variant Server 0.00054.
gnomAD v4.1: 98 of 1,590,610 alleles (0.0062%); highest among the groups gnomAD compares: African/African-American, 0.12%; no homozygotes.

Submissions (4):

Women's Health and Genetics/Laboratory Corporation of America, LabCorp
Classification: Uncertain significance. Last evaluated: 2025-06-16. Review status: criteria provided, single submitter. Criteria: LabCorp Variant Classification Summary - May 2015. Collection method: clinical testing. Allele origin: germline.
Comment: Variant summary: CNTNAP1 c.17T>C (p.Leu6Pro) results in a non-conservative amino acid change in the encoded protein sequence. Algorithms developed to predict the effect of missense changes on protein structure and function all suggest that this variant is likely to be disruptive. The variant allele was found at a frequency of 0.0001 in 210868 control chromosomes. This frequency is not significantly higher than estimated for a pathogenic variant in CNTNAP1 causing Neuropathy, congenital hypomyelinating, 3 (0.0001 vs 0.0011), allowing no conclusion about variant significance. To our knowledge, no occurrence of c.17T>C in individuals affected with Neuropathy, congenital hypomyelinating, 3 and no experimental evidence demonstrating its impact on protein function have been reported. ClinVar contains an entry for this variant (Variation ID: 1919335). Based on the evidence outlined above, the variant was classified as uncertain significance.

Mayo Clinic Laboratories, Mayo Clinic
Classification: Uncertain significance. Last evaluated: 2025-06-03. Review status: criteria provided, single submitter. Criteria: ACMG Guidelines, 2015. Collection method: clinical testing. Allele origin: germline. Observed: 1 variant allele.

Labcorp Genetics (formerly Invitae), Labcorp
Classification: Uncertain significance. Last evaluated: 2024-10-24. Review status: criteria provided, single submitter. Criteria: Invitae Variant Classification Sherloc (09022015). Collection method: clinical testing. Allele origin: germline.
Comment: This sequence change replaces leucine, which is neutral and non-polar, with proline, which is neutral and non-polar, at codon 6 of the CNTNAP1 protein (p.Leu6Pro). This variant is present in population databases (rs144595361, gnomAD 0.2%). This variant has not been reported in the literature in individuals affected with CNTNAP1-related conditions. ClinVar contains an entry for this variant (Variation ID: 1919335). An algorithm developed to predict the effect of missense changes on protein structure and function (PolyPhen-2) suggests that this variant is likely to be tolerated. In summary, the available evidence is currently insufficient to determine the role of this variant in disease. Therefore, it has been classified as a Variant of Uncertain Significance.

GeneDx
Classification: Uncertain significance. Last evaluated: 2024-08-12. Review status: criteria provided, single submitter. Criteria: GeneDx Variant Classification Process June 2021. Collection method: clinical testing. Allele origin: germline. Affected: yes.
Comment: In silico analysis indicates that this missense variant does not alter protein structure/function; Has not been previously published as pathogenic or benign to our knowledge

NM_003632.3(CNTNAP1):c.17T>C (p.Leu6Pro)

Gene: CNTNAP1 (contactin associated protein 1; plus strand). Cytogenetic location: 17q21.2.
Variant type: single nucleotide variant.
Coding change: c.17T>C on transcript NM_003632.3 (MANE Select); coding-DNA position 17, T replaced by C.
Protein change: p.Leu6Pro; replaces leucine 6 with proline.
Molecular consequence: missense variant.
Genome position (GRCh38, 1-based): chr17:42,682,846, T>C. VCF-style: chr17-42682846-T-C. GRCh37 (hg19) VCF-style: chr17-40834864-T-C.
Other names: p.Leu6Pro; c.17T>C (NM_003632.2); short protein forms L6P.
Identifiers: ClinVar variation 1919335 (VCV001919335.7), dbSNP rs144595361, ClinGen allele CA8581391.